The following is an entry in ClinVar:

ClinVar aggregate classification (germline): Uncertain significance. Review status: criteria provided, multiple submitters, no conflicts (2 of 4 stars). 5 submissions from 5 submitters: Uncertain significance (4). 1 of the submissions does not count toward it. Last evaluated 2024-06-20.

Conditions:
Obesity due to prohormone convertase I deficiency. Also called: OBESITY AND ENDOCRINOPATHY DUE TO IMPAIRED PROCESSING OF PROHORMONES. Identifiers: Orphanet 71528, MedGen C1833053, MONDO:0010961, OMIM 600955.
PCSK1-related disorder. Also called: PCSK1-related condition.

Allele frequency attached by ClinVar (database versions not stated): gnomAD exomes 0.00002; gnomAD 0.00005; TOPMed 0.00008.
gnomAD v4.1: 50 of 1,613,678 alleles (0.0031%); highest among the groups gnomAD compares: Middle Eastern, 0.18%; no homozygotes.

Submissions (5):

Blueprint Genetics
Classification: Uncertain significance. Last evaluated: 2024-06-20. Review status: criteria provided, single submitter. Criteria: ACMG Guidelines, 2015. Collection method: clinical testing. Allele origin: germline.

GeneDx
Classification: Uncertain significance. Last evaluated: 2024-01-26. Review status: criteria provided, single submitter. Criteria: GeneDx Variant Classification Process June 2021. Collection method: clinical testing. Allele origin: germline. Affected: yes.
Comment: Identified in a patient with adult-onset morbid obesity in the published literature, but segregation information was not provided (PMID: 28377240); Reported with a second PCSK1 variant in an individual with morbid obesity in the published literature, but it is not known whether the variants occurred on the same (in cis) or on different (in trans) chromosomes (PMID: 35026759); Identified in two individuals from a cohort that includes both overweight and control individuals, but no additional information was provided (PMID: 36822744); In silico analysis supports that this missense variant does not alter protein structure/function; This variant is associated with the following publications: (PMID: Muoz2017[review], 36822744, 28377240, 35026759)

Illumina Laboratory Services, Illumina
Classification: Uncertain significance for Obesity due to prohormone convertase I deficiency. Last evaluated: 2018-02-06. Review status: criteria provided, single submitter. Criteria: ICSL Variant Classification Criteria 13 December 2019. Collection method: clinical testing. Allele origin: germline.
Comment: This variant was observed as part of a predisposition screen in an ostensibly healthy population. A literature search was performed for the gene, cDNA change, and amino acid change (where applicable). Publications were found based on this search. However, the evidence from the literature, in combination with allele frequency data from public databases where available, was not sufficient to rule this variant in or out of causing disease. Therefore, this variant is classified as a variant of unknown significance.

Breakthrough Genomics
Classification: Uncertain significance. Review status: criteria provided, single submitter. Criteria: ACMG Guidelines, 2015. Collection method: not provided. Allele origin: germline. Inheritance: Autosomal recessive inheritance. Affected: yes.

PreventionGenetics, part of Exact Sciences
Classification: Uncertain significance for PCSK1-related condition. Last evaluated: 2024-06-25. Review status: no assertion criteria provided. Collection method: clinical testing. Allele origin: germline. Not counted in ClinVar's aggregate classification.
Comment: The PCSK1 c.1405G>A variant is predicted to result in the amino acid substitution p.Val469Ile. This variant has been reported in the heterozygous state in an individual with morbid obesity (Nordang et al. 2017. PubMed ID: 28377240). In addition, this variant has been observed in a cohort of individuals with obesity, and in vitro functional studies showed this variant did not reduce protein function and could cause increased function (Supplemental Data Set 3, Shah et al. 2023. PubMed ID: 36864747). This variant is reported in 0.0039% of alleles in individuals of European (Non-Finnish) descent in gnomAD. At this time, the clinical significance of this variant is uncertain due to the absence of conclusive functional and genetic evidence.

Literature cited by the submitters: PubMed 28377240 (cited by Illumina Laboratory Services, Illumina).

NM_000439.5(PCSK1):c.1405G>A (p.Val469Ile)

Genes: PCSK1 (proprotein convertase subtilisin/kexin type 1; minus strand), CAST (calpastatin; plus strand), LOC101929710 (uncharacterized LOC101929710; plus strand). Cytogenetic location: 5q15.
Variant type: single nucleotide variant.
Coding change: c.1405G>A on transcript NM_000439.5 (MANE Select); coding-DNA position 1405, G replaced by A.
Protein change: p.Val469Ile; replaces valine 469 with isoleucine.
Molecular consequence: missense variant.
Genome position (GRCh38, 1-based): chr5:96,399,978, C>T on the plus strand (G>A on the coding strand, the complement: PCSK1 is on the minus strand). VCF-style: chr5-96399978-C-T. GRCh37 (hg19) VCF-style: chr5-95735682-C-T.
Other names: c.1264G>A, p.Val422Ile (NM_001177875.2); short protein forms V469I, V422I.
Identifiers: ClinVar variation 432315 (VCV000432315.10), dbSNP rs1026383684, ClinGen allele CA122905157.
Genomic context (GRCh38, chr5:96,399,978, plus strand): 5'-GCACACATGTGTTTAAAATTCCAGGAGATACTTACCTGGGCTCAAAGTCATTGTCCTTTA[C>T]AACACACTCTTTCTTCTCAGGCACGCTCCTCCAGGTCCTGGGGTCAGCTAAATCCACCAG-3'
Protein context (NP_000430.3, residues 459-479): RSVPEKKECV[Val469Ile]KDNDFEPRAL